The following is an entry in ClinVar:

ClinVar aggregate classification (germline): Conflicting classifications of pathogenicity. Review status: criteria provided, conflicting classifications (1 of 4 stars). 4 submissions from 4 submitters: Uncertain significance (3); Benign (1). Last evaluated 2026-04-23.

Conditions:
Cardiovascular phenotype. Identifiers: MedGen CN230736.
Long QT syndrome (LQTS). Identifiers: MedGen C0023976, MeSH D008133, MONDO:0002442. Disease mechanism: loss of function. Inheritance: Various modes of inheritance.

Allele frequency attached by ClinVar (database versions not stated): 1000 Genomes Project 30x 0.00016.
gnomAD v4.1: 17 of 1,613,298 alleles (0.0011%); highest among the groups gnomAD compares: East Asian, 0.027%; no homozygotes.

Submissions (4):

Ambry Genetics
Classification: Benign for Cardiovascular phenotype. Last evaluated: 2026-04-23. Review status: criteria provided, single submitter. Criteria: Ambry Variant Classification Scheme 2023. Collection method: clinical testing. Allele origin: germline.

Labcorp Genetics (formerly Invitae), Labcorp
Classification: Uncertain significance for Long QT syndrome. Last evaluated: 2025-12-14. Review status: criteria provided, single submitter. Criteria: Invitae Variant Classification Sherloc (09022015). Collection method: clinical testing. Allele origin: germline.
Comment: This sequence change replaces threonine, which is neutral and polar, with asparagine, which is neutral and polar, at codon 715 of the ANK2 protein (p.Thr715Asn). This variant is present in population databases (rs199681788, gnomAD 0.05%). This missense change has been observed in individual(s) with autism spectrum disorder (PMID: 30564305). ClinVar contains an entry for this variant (Variation ID: 2156997). Invitae Evidence Modeling of protein sequence and biophysical properties (such as structural, functional, and spatial information, amino acid conservation, physicochemical variation, residue mobility, and thermodynamic stability) indicates that this missense variant is not expected to disrupt ANK2 protein function with a negative predictive value of 80%. In summary, the available evidence is currently insufficient to determine the role of this variant in disease. Therefore, it has been classified as a Variant of Uncertain Significance.

GeneDx
Classification: Uncertain significance. Last evaluated: 2024-04-18. Review status: criteria provided, single submitter. Criteria: GeneDx Variant Classification Process June 2021. Collection method: clinical testing. Allele origin: germline. Affected: yes.
Comment: In silico analysis supports that this missense variant has a deleterious effect on protein structure/function; Has not been previously published as pathogenic or benign in association with a cardiac disorder to our knowledge; This variant is associated with the following publications: (PMID: 30564305)

Revvity Omics, Revvity
Classification: Uncertain significance. Last evaluated: 2021-08-09. Review status: criteria provided, single submitter. Criteria: ACMG Guidelines, 2015. Collection method: clinical testing. Allele origin: germline.

Literature cited by the submitters: PubMed 30564305 (cited by Labcorp Genetics (formerly Invitae), Labcorp).

NM_001148.6(ANK2):c.2144C>A (p.Thr715Asn)

Gene: ANK2 (ankyrin 2; plus strand). Cytogenetic location: 4q26.
Variant type: single nucleotide variant.
Coding change: c.2144C>A on transcript NM_001148.6 (MANE Select); coding-DNA position 2144, C replaced by A.
Protein change: p.Thr715Asn; replaces threonine 715 with asparagine.
Molecular consequence: missense variant.
Genome position (GRCh38, 1-based): chr4:113,287,669, C>A. VCF-style: chr4-113287669-C-A. GRCh37 (hg19) VCF-style: chr4-114208825-C-A.
Other names: c.2081C>A, p.Thr694Asn (NM_001127493.3, NM_001354252.2, NM_001354254.2 and 10 more transcripts); c.2144C>A, p.Thr715Asn (NM_001354225.2, NM_001354228.2, NM_001354232.2 and 6 more transcripts); c.2189C>A, p.Thr730Asn (NM_001354230.2, NM_001354231.2, NM_001354237.2 and 5 more transcripts); c.2057C>A, p.Thr686Asn (NM_001354249.2, NM_001354274.2, NM_001354276.2 and 10 more transcripts); c.1982C>A, p.Thr661Asn (NM_001354253.2, NM_001354257.2, NM_001386156.1 and 1 more transcripts); c.1958C>A, p.Thr653Asn (NM_001354271.2, NM_001354260.2, NM_001386151.1); c.1946C>A, p.Thr649Asn (NM_001354273.2); c.1859C>A, p.Thr620Asn (NM_001354277.2, NM_001386157.1); and 8 more; short protein forms T645N, T653N, T661N, T694N, T682N, T686N, T715N, T587N.
Identifiers: ClinVar variation 2156997 (VCV002156997.9), dbSNP rs199681788, ClinGen allele CA3050461.
Genomic context (GRCh38, chr4:113,287,669, plus strand): 5'-GACTCACATCCTTACACCTTGCAGCCCAGGAAGATAAAGTGAATGTTGCTGATATTCTCA[C>A]CAAGCATGGAGCTGATCAGGATGCTCATACAAAGGTAAAGCAAATCACTCTCAGTATTGT-3'
Protein context (NP_001139.3, residues 705-725): EDKVNVADIL[Thr715Asn]KHGADQDAHT